The following is an entry in ClinVar:

NM_015374.3(SUN2):c.688G>C (p.Ala230Pro)

Gene: SUN2 (Sad1 and UNC84 domain containing 2; minus strand). Cytogenetic location: 22q13.1.
Variant type: single nucleotide variant.
Coding change: c.688G>C on transcript NM_015374.3 (MANE Select); coding-DNA position 688, G replaced by C.
Protein change: p.Ala230Pro; replaces alanine 230 with proline.
Molecular consequence: missense variant. On other transcripts: intron variant (2).
Genome position (GRCh38, 1-based): chr22:38,745,809, C>G on the plus strand (G>C on the coding strand, the complement: SUN2 is on the minus strand). VCF-style: chr22-38745809-C-G. GRCh37 (hg19) VCF-style: chr22-39141814-C-G.
Other names: c.751G>C, p.Ala251Pro (NM_001199579.2, NM_001394428.1); c.688G>C, p.Ala230Pro (NM_001199580.2, NM_001394431.1, NM_001394432.1 and 6 more transcripts); c.781G>C, p.Ala261Pro (NM_001394427.1); c.733G>C, p.Ala245Pro (NM_001394429.1, NM_001394430.1); c.598G>C, p.Ala200Pro (NM_001394438.1); c.550G>C, p.Ala184Pro (NM_001394439.1, NM_001394440.1, NM_001394441.1); c.196G>C, p.Ala66Pro (NM_001394443.1); c.614+3957G>C (NM_001394444.1, NM_001394445.1); short protein forms A184P, A200P, A251P, A66P, A230P, A245P, A261P.
Identifiers: ClinVar variation 2717520 (VCV002717520.3), dbSNP rs757781167, ClinGen allele CA10235797.

ClinVar aggregate classification (germline): Uncertain significance (1 of 4 stars; one submission).

Conditions:
Emery-Dreifuss muscular dystrophy (EDMD). Also called: Scapuloperoneal syndrome, X-linked (formerly); Humeroperoneal neuromuscular disease, (formerly). Identifiers: Orphanet 261, MedGen C0410189, MONDO:0016830.

Allele frequency attached by ClinVar (database versions not stated): TOPMed below 0.00001; ExAC 0.00001.
gnomAD v4.1: 19 of 1,613,774 alleles (0.0012%); highest among the groups gnomAD compares: Non-Finnish European, 0.0015%; no homozygotes.

Submission:

Labcorp Genetics (formerly Invitae), Labcorp
Classification: Uncertain significance for Emery-Dreifuss muscular dystrophy. Last evaluated: 2025-08-18. Review status: criteria provided, single submitter. Criteria: Invitae Variant Classification Sherloc (09022015). Collection method: clinical testing. Allele origin: germline.
Comment: This sequence change replaces alanine, which is neutral and non-polar, with proline, which is neutral and non-polar, at codon 230 of the SUN2 protein (p.Ala230Pro). This variant is present in population databases (rs757781167, gnomAD 0.0009%). This variant has not been reported in the literature in individuals affected with SUN2-related conditions. ClinVar contains an entry for this variant (Variation ID: 2717520). An algorithm developed to predict the effect of missense changes on protein structure and function (PolyPhen-2) suggests that this variant is likely to be disruptive. In summary, the available evidence is currently insufficient to determine the role of this variant in disease. Therefore, it has been classified as a Variant of Uncertain Significance.